The following is an entry in ClinVar:

NM_005866.4(SIGMAR1):c.170C>G (p.Ala57Gly)

Gene: SIGMAR1 (sigma receptor chaperone 1; minus strand). Cytogenetic location: 9p13.3.
Variant type: single nucleotide variant.
Coding change: c.170C>G on transcript NM_005866.4 (MANE Select); coding-DNA position 170, C replaced by G.
Protein change: p.Ala57Gly; replaces alanine 57 with glycine.
Molecular consequence: missense variant. On other transcripts: 5 prime UTR variant (1), non-coding transcript variant (1).
Genome position (GRCh38, 1-based): chr9:34,637,402, G>C on the plus strand (C>G on the coding strand, the complement: SIGMAR1 is on the minus strand). VCF-style: chr9-34637402-G-C. GRCh37 (hg19) VCF-style: chr9-34637399-G-C.
Other names: c.170C>G, p.Ala57Gly (NM_001282205.2, NM_001282208.2, NM_001282209.2 and 1 more transcripts); c.-84C>G (NM_001282206.2); c.110C>G, p.Ala37Gly (NM_001282207.2); short protein forms A37G, A57G.
Identifiers: ClinVar variation 955250 (VCV000955250.10), dbSNP rs1382890194, ClinGen allele CA373275314.

ClinVar aggregate classification (germline): Uncertain significance (1 of 4 stars; one submission).

Conditions:
Autosomal recessive distal spinal muscular atrophy 2. Also called: NEURONOPATHY, DISTAL HEREDITARY MOTOR, JERASH TYPE; NEUROPATHY, DISTAL HEREDITARY MOTOR, JERASH TYPE; SPINAL MUSCULAR ATROPHY, JERASH TYPE; NEUROPATHY, DISTAL HEREDITARY MOTOR, AUTOSOMAL RECESSIVE 2; Hereditary motor neuropathy, Jerash type; Motor neuropathy, distal, Jerash type. Identifiers: Orphanet 139552, MedGen C1854023, MONDO:0011585, OMIM 605726.
Amyotrophic lateral sclerosis type 16. Also called: AMYOTROPHIC LATERAL SCLEROSIS 16, JUVENILE. Identifiers: Orphanet 300605, MedGen C3280587, MONDO:0013715, OMIM 614373.

Allele frequency attached by ClinVar (database versions not stated): gnomAD exomes below 0.00001.

Submission:

Labcorp Genetics (formerly Invitae), Labcorp
Classification: Uncertain significance for Autosomal recessive distal spinal muscular atrophy 2; Amyotrophic lateral sclerosis type 16. Last evaluated: 2019-08-19. Review status: criteria provided, single submitter. Criteria: Invitae Variant Classification Sherloc (09022015). Collection method: clinical testing. Allele origin: germline.
Comment: In summary, the available evidence is currently insufficient to determine the role of this variant in disease. Therefore, it has been classified as a Variant of Uncertain Significance. Algorithms developed to predict the effect of missense changes on protein structure and function are either unavailable or do not agree on the potential impact of this missense change (SIFT: "Tolerated"; PolyPhen-2: "Probably Damaging"; Align-GVGD: "Class C0"). This variant has not been reported in the literature in individuals with SIGMAR1-related conditions. This variant is not present in population databases (ExAC no frequency). This sequence change replaces alanine with glycine at codon 57 of the SIGMAR1 protein (p.Ala57Gly). The alanine residue is highly conserved and there is a small physicochemical difference between alanine and glycine.